The following is an entry in ClinVar:

NM_000138.5(FBN1):c.776G>T (p.Gly259Val)

Gene: FBN1 (fibrillin 1; minus strand). Cytogenetic location: 15q21.1.
Variant type: single nucleotide variant.
Coding change: c.776G>T on transcript NM_000138.5 (MANE Select); coding-DNA position 776, G replaced by T.
Protein change: p.Gly259Val; replaces glycine 259 with valine.
Molecular consequence: missense variant.
Genome position (GRCh38, 1-based): chr15:48,534,166, C>A on the plus strand (G>T on the coding strand, the complement: FBN1 is on the minus strand). VCF-style: chr15-48534166-C-A. GRCh37 (hg19) VCF-style: chr15-48826363-C-A.
Other names: short protein forms G259V.
Identifiers: ClinVar variation 1064406 (VCV001064406.9), dbSNP rs751169871, ClinGen allele CA392352653.
Genomic context (GRCh38, chr15:48,534,166, plus strand): 5'-AGTTTGTGTCCAGCAGGGCATTTGCACTCAAAAGACCCAACAGTATTAATGCAATTTCCT[C>A]CCTGACAGAGCCCGGGGATGGCCTGGCATTCATCCACATCTGTCAGATTACAGAAGACAG-3'
Protein context (NP_000129.3, residues 249-269): ECQAIPGLCQ[Gly259Val]GNCINTVGSF

ClinVar aggregate classification (germline): Likely pathogenic (1 of 4 stars; one submission).

Conditions:
Marfan syndrome (MFS). Also called: FBN1-Related Marfan Syndrome; MARFAN SYNDROME, TYPE I; Marfan syndrome type 1; Marfan's syndrome; Marfan syndrome, classic. Identifiers: Orphanet 284963, Orphanet 558, MedGen C0024796, MONDO:0007947, OMIM 154700.
Familial thoracic aortic aneurysm and aortic dissection (TAAD). Also called: Thoracic aortic aneurysms and dissections. Identifiers: Orphanet 91387, MedGen C4707243, MONDO:0019625.

Submission:

Labcorp Genetics (formerly Invitae), Labcorp
Classification: Likely pathogenic for Marfan syndrome; Familial thoracic aortic aneurysm and aortic dissection. Last evaluated: 2023-03-10. Review status: criteria provided, single submitter. Criteria: Invitae Variant Classification Sherloc (09022015). Collection method: clinical testing. Allele origin: germline.
Comment: This sequence change replaces glycine, which is neutral and non-polar, with valine, which is neutral and non-polar, at codon 259 of the FBN1 protein (p.Gly259Val). This variant is not present in population databases (gnomAD no frequency). This missense change has been observed in individual(s) with clinical features of Marfan syndrome (Invitae). ClinVar contains an entry for this variant (Variation ID: 1064406). Advanced modeling of protein sequence and biophysical properties (such as structural, functional, and spatial information, amino acid conservation, physicochemical variation, residue mobility, and thermodynamic stability) performed at Invitae indicates that this missense variant is expected to disrupt FBN1 protein function. Algorithms developed to predict the effect of sequence changes on RNA splicing suggest that this variant may create or strengthen a splice site. This variant disrupts the p.Gly259 amino acid residue in FBN1. Other variant(s) that disrupt this residue have been determined to be pathogenic (PMID: 25907466; Invitae). This suggests that this residue is clinically significant, and that variants that disrupt this residue are likely to be disease-causing. In summary, the currently available evidence indicates that the variant is pathogenic, but additional data are needed to prove that conclusively. Therefore, this variant has been classified as Likely Pathogenic.

Literature cited by the submitters: PubMed 25907466.